The following is an entry in ClinVar:

NM_017780.4(CHD7):c.1867G>C (p.Gly623Arg)

Genes: CHD7 (chromodomain helicase DNA binding protein 7; plus strand), LOC126860403 (CDK7 strongly-dependent group 2 enhancer GRCh37_chr8:61693034-61694233; plus strand). Cytogenetic location: 8q12.2.
Variant type: single nucleotide variant.
Coding change: c.1867G>C on transcript NM_017780.4 (MANE Select); coding-DNA position 1867, G replaced by C.
Protein change: p.Gly623Arg; replaces glycine 623 with arginine.
Molecular consequence: missense variant. On other transcripts: intron variant (1).
Genome position (GRCh38, 1-based): chr8:60,781,201, G>C. VCF-style: chr8-60781201-G-C. GRCh37 (hg19) VCF-style: chr8-61693760-G-C.
Other names: c.1716+151G>C (NM_001316690.1); short protein forms G623R.
Identifiers: ClinVar variation 593135 (VCV000593135.16), dbSNP rs375905260, ClinGen allele CA4759579.

ClinVar aggregate classification (germline): Conflicting classifications of pathogenicity. Review status: criteria provided, conflicting classifications (1 of 4 stars). 3 submissions from 3 submitters: Uncertain significance (2); Likely benign (1). Last evaluated 2025-02-20.

Conditions:
Inborn genetic diseases. Identifiers: MedGen C0950123, MeSH D030342.
CHARGE syndrome (CHARGE). Also called: Coloboma, heart anomaly, choanal atresia, retardation, genital and ear anomalies; CHARGE association; Hall-Hittner syndrome; Hittner Hirsch Kreh syndrome; CHARGE ASSOCIATION--COLOBOMA, HEART ANOMALY, CHOANAL ATRESIA, RETARDATION, GENITAL AND EAR ANOMALIES. Identifiers: Orphanet 138, MedGen C0265354, MONDO:0008965.

Allele frequency attached by ClinVar (database versions not stated): TOPMed 0.00001; gnomAD 0.00002; ExAC 0.00003; ESP Exome Variant Server 0.00008.
gnomAD v4.1: 63 of 1,600,350 alleles (0.0039%); highest among the groups gnomAD compares: Non-Finnish European, 0.005%; no homozygotes.

Submissions (3):

Labcorp Genetics (formerly Invitae), Labcorp
Classification: Uncertain significance for CHARGE syndrome. Last evaluated: 2025-02-20. Review status: criteria provided, single submitter. Criteria: Invitae Variant Classification Sherloc (09022015). Collection method: clinical testing. Allele origin: germline.
Comment: This sequence change replaces glycine, which is neutral and non-polar, with arginine, which is basic and polar, at codon 623 of the CHD7 protein (p.Gly623Arg). This variant is present in population databases (rs375905260, gnomAD 0.008%). This variant has not been reported in the literature in individuals affected with CHD7-related conditions. ClinVar contains an entry for this variant (Variation ID: 593135). Invitae Evidence Modeling of protein sequence and biophysical properties (such as structural, functional, and spatial information, amino acid conservation, physicochemical variation, residue mobility, and thermodynamic stability) indicates that this missense variant is not expected to disrupt CHD7 protein function with a negative predictive value of 95%. In summary, the available evidence is currently insufficient to determine the role of this variant in disease. Therefore, it has been classified as a Variant of Uncertain Significance.

Ambry Genetics
Classification: Likely benign for Inborn genetic diseases. Last evaluated: 2022-11-10. Review status: criteria provided, single submitter. Criteria: Ambry Variant Classification Scheme 2023. Collection method: clinical testing. Allele origin: germline.

Eurofins Ntd Llc (ga)
Classification: Uncertain significance. Last evaluated: 2017-07-12. Review status: criteria provided, single submitter. Criteria: EGL Classification Definitions 2015. Collection method: clinical testing. Allele origin: germline. Observed: 1 variant allele, 1 heterozygote.